The following is an entry in ClinVar:

ClinVar aggregate classification (germline): Likely benign. Review status: criteria provided, multiple submitters, no conflicts (2 of 4 stars). 2 submissions from 2 submitters: Likely benign (2). Last evaluated 2026-09-23.

Conditions:
PRPF31-related disorder. Also called: PRPF31-related condition.

Submissions (2):

PreventionGenetics, part of Exact Sciences
Classification: Likely benign for PRPF31-related condition. Last evaluated: 2026-09-23. Review status: criteria provided, single submitter. Criteria: ACMG Guidelines, 2015. Collection method: clinical testing. Allele origin: germline.
Comment: This variant is classified as likely benign based on ACMG/AMP sequence variant interpretation guidelines (Richards et al. 2015 PMID: 25741868, with internal and published modifications).

Blueprint Genetics
Classification: Likely benign. Last evaluated: 2024-05-02. Review status: criteria provided, single submitter. Criteria: ACMG Guidelines, 2015. Collection method: clinical testing. Allele origin: germline.

NM_015629.4(PRPF31):c.-3G>A

Gene: PRPF31 (pre-mRNA processing factor 31; plus strand). Cytogenetic location: 19q13.42.
Variant type: single nucleotide variant.
Coding change: c.-3G>A on transcript NM_015629.4 (MANE Select); 3 bases upstream of the start codon, G replaced by A.
Molecular consequence: 5 prime UTR variant.
Genome position (GRCh38, 1-based): chr19:54,118,276, G>A. VCF-style: chr19-54118276-G-A. GRCh37 (hg19) VCF-style: chr19-54621656-G-A.
Other names: c.-3G>A (NM_015629.3).
Identifiers: ClinVar variation 4943778 (VCV004943778.2).